The following is an entry in ClinVar:

NM_003998.4(NFKB1):c.1955-9G>A

Gene: NFKB1 (nuclear factor kappa B subunit 1; plus strand). Cytogenetic location: 4q24.
Variant type: single nucleotide variant.
Coding change: c.1955-9G>A on transcript NM_003998.4 (MANE Select); 9 bases into the intron before coding-DNA position 1955, G replaced by A.
Molecular consequence: intron variant.
Genome position (GRCh38, 1-based): chr4:102,607,141, G>A. VCF-style: chr4-102607141-G-A. GRCh37 (hg19) VCF-style: chr4-103528298-G-A.
Other names: c.1955-9G>A (NM_001382626.1, NM_001382625.1); c.1952-9G>A (NM_001382627.1, NM_001165412.2, NM_001319226.2); c.1913-9G>A (NM_001382628.1).
Identifiers: ClinVar variation 1439948 (VCV001439948.8), dbSNP rs369496420, ClinGen allele CA2573137944.
Genomic context (GRCh38, chr4:102,607,141, plus strand): 5'-CAGCTTCACAAGGGCCATCTTGTGAGTTAGCCATCCCATCCTGTGACTGTCCCTTTGCTT[G>A]GACTCTAGGTCTGAATGCCATTCATCTAGCCATGATGAGCAATAGCCTGCCATGTTTGCT-3'

ClinVar aggregate classification (germline): Uncertain significance (1 of 4 stars; one submission).

Submission:

Labcorp Genetics (formerly Invitae), Labcorp
Classification: Uncertain significance. Last evaluated: 2024-12-19. Review status: criteria provided, single submitter. Criteria: Invitae Variant Classification Sherloc (09022015). Collection method: clinical testing. Allele origin: germline.
Comment: This sequence change falls in intron 17 of the NFKB1 gene. It does not directly change the encoded amino acid sequence of the NFKB1 protein. This variant is not present in population databases (gnomAD no frequency). This variant has not been reported in the literature in individuals affected with NFKB1-related conditions. ClinVar contains an entry for this variant (Variation ID: 1439948). Algorithms developed to predict the effect of sequence changes on RNA splicing suggest that this variant may disrupt the consensus splice site. In summary, the available evidence is currently insufficient to determine the role of this variant in disease. Therefore, it has been classified as a Variant of Uncertain Significance.